The following is an entry in ClinVar:

NM_004273.5(CHST3):c.347A>G (p.Glu116Gly)

Gene: CHST3 (carbohydrate sulfotransferase 3; plus strand). Cytogenetic location: 10q22.1.
Variant type: single nucleotide variant.
Coding change: c.347A>G on transcript NM_004273.5 (MANE Select); coding-DNA position 347, A replaced by G.
Protein change: p.Glu116Gly; replaces glutamic acid 116 with glycine.
Molecular consequence: missense variant.
Genome position (GRCh38, 1-based): chr10:72,007,378, A>G. VCF-style: chr10-72007378-A-G. GRCh37 (hg19) VCF-style: chr10-73767136-A-G.
Other names: short protein forms E116G.
Identifiers: ClinVar variation 1370268 (VCV001370268.8), dbSNP rs2131774439, ClinGen allele CA377143482.

ClinVar aggregate classification (germline): Uncertain significance (1 of 4 stars; one submission).

Conditions:
Spondyloepiphyseal dysplasia with congenital joint dislocations (SEDCJD). Also called: Chondrodysplasia with Congenital Joint Dislocations, CHST3-Related. Identifiers: Orphanet 263463, MedGen C1837657, MONDO:0007738, OMIM 143095.

Allele frequency attached by ClinVar (database versions not stated): gnomAD exomes below 0.00001.
gnomAD v4.1: 1 of 1,606,258 alleles (0.000062%); highest among the groups gnomAD compares: Non-Finnish European, 0.000085%; no homozygotes.

Submission:

Labcorp Genetics (formerly Invitae), Labcorp
Classification: Uncertain significance for Spondyloepiphyseal dysplasia with congenital joint dislocations. Last evaluated: 2021-07-27. Review status: criteria provided, single submitter. Criteria: Invitae Variant Classification Sherloc (09022015). Collection method: clinical testing. Allele origin: germline.
Comment: Algorithms developed to predict the effect of missense changes on protein structure and function output the following: SIFT: "Tolerated"; PolyPhen-2: "Benign"; Align-GVGD: "Class C0". The glycine amino acid residue is found in multiple mammalian species, which suggests that this missense change does not adversely affect protein function. In summary, the available evidence is currently insufficient to determine the role of this variant in disease. Therefore, it has been classified as a Variant of Uncertain Significance. This variant has not been reported in the literature in individuals affected with CHST3-related conditions. This variant is not present in population databases (ExAC no frequency). This sequence change replaces glutamic acid with glycine at codon 116 of the CHST3 protein (p.Glu116Gly). The glutamic acid residue is weakly conserved and there is a moderate physicochemical difference between glutamic acid and glycine.